The following is an entry in ClinVar:

NM_001354712.2(THRB):c.1034G>T (p.Gly345Val)

Gene: THRB (thyroid hormone receptor beta; minus strand). Cytogenetic location: 3p24.2.
Variant type: single nucleotide variant.
Coding change: c.1034G>T on transcript NM_001354712.2 (MANE Select); coding-DNA position 1034, G replaced by T.
Protein change: p.Gly345Val; replaces glycine 345 with valine.
Molecular consequence: missense variant.
Genome position (GRCh38, 1-based): chr3:24,127,609, C>A on the plus strand (G>T on the coding strand, the complement: THRB is on the minus strand). VCF-style: chr3-24127609-C-A. GRCh37 (hg19) VCF-style: chr3-24169100-C-A.
Other names: c.1034G>T, p.Gly345Val (NM_000461.5, NM_001128176.3, NM_001128177.2 and 6 more transcripts); c.941G>T, p.Gly314Val (NM_001354714.2, NM_001354715.2); short protein forms G345V, G314V.
Identifiers: ClinVar variation 12545 (VCV000012545.7), dbSNP rs28999970, ClinGen allele CA122473.

ClinVar aggregate classification (germline): Conflicting classifications of pathogenicity. Review status: criteria provided, conflicting classifications (1 of 4 stars). 3 submissions from 3 submitters: Pathogenic (1); Uncertain significance (1). 1 of the submissions does not count toward it. Last evaluated 2025-04-14.

Conditions:
Thyroid hormone resistance, generalized, autosomal dominant (GRTHD). Also called: HYPERTHYROXINEMIA, FAMILIAL EUTHYROID, SECONDARY TO PITUITARY AND PERIPHERAL RESISTANCE TO THYROID HORMONES. Identifiers: MedGen C2937288, MONDO:0008569, OMIM 188570.

Submissions (3):

Women's Health and Genetics/Laboratory Corporation of America, LabCorp
Classification: Uncertain significance. Last evaluated: 2025-04-14. Review status: criteria provided, single submitter. Criteria: LabCorp Variant Classification Summary - May 2015. Collection method: clinical testing. Allele origin: germline.
Comment: Variant summary: THRB c.1034G>T (p.Gly345Val) results in a non-conservative amino acid change located in the Nuclear hormone receptor, ligand-binding domain (IPR000536) of the encoded protein sequence. Five of five in-silico tools predict a damaging effect of the variant on protein function. The variant was absent in 251448 control chromosomes. The available data on variant occurrences in the general population are insufficient to allow any conclusion about variant significance. c.1034G>T has been observed in an individual affected with Thyroid Hormone Resistance, Generalized, Autosomal Dominant (Parrilla_1991). These data do not allow any conclusion about variant significance. A different variant affecting the same codon has been classified as pathogenic by our lab (c.1033G>A, p.Gly345Ser), supporting the critical relevance of codon 345 to THRB protein function. To our knowledge, no experimental evidence demonstrating an impact on protein function has been reported. The following publication have been ascertained in the context of this evaluation (PMID: 1661299). ClinVar contains an entry for this variant (Variation ID: 12545). Based on the evidence outlined above, the variant was classified as VUS-possibly pathogenic.

Quest Diagnostics Nichols Institute San Juan Capistrano
Classification: Pathogenic. Last evaluated: 2019-05-14. Review status: criteria provided, single submitter. Criteria: Quest Diagnostics criteria. Collection method: clinical testing. Allele origin: germline.
Comment: Not found in the total gnomAD dataset, and the data is high quality (0/282804 chr). Found in at least one symptomatic patient. Predicted to have a damaging effect on the protein. One other pathogenic or likely pathogenic variant affects the same amino acid.

OMIM
Classification: Pathogenic for THYROID HORMONE RESISTANCE, GENERALIZED, AUTOSOMAL DOMINANT. Last evaluated: 1994-05-01. Review status: no assertion criteria provided. Collection method: literature only. Allele origin: germline. Not counted in ClinVar's aggregate classification.

Literature cited by the submitters: PubMed 1661299 (cited by 3 submitters); PubMed 8013151 (cited by OMIM).